The following is an entry in ClinVar:

NC_000006.11:g.(?_51875087)_(51882447_?)dup

Gene: PKHD1 (PKHD1 ciliary IPT domain containing fibrocystin/polyductin; minus strand). Cytogenetic location: 6p12.2.
Variant type: Duplication.
Identifiers: ClinVar variation 2427255 (VCV002427255.5).

ClinVar aggregate classification (germline): Likely pathogenic (1 of 4 stars; one submission).

Conditions:
Autosomal recessive polycystic kidney disease (ARPKD). Also called: AR polycystic kidney disease. Identifiers: Orphanet 731, Orphanet 8378, MedGen C0085548, MeSH D017044, MONDO:0009889.

Submission:

Labcorp Genetics (formerly Invitae), Labcorp
Classification: Likely pathogenic for Autosomal recessive polycystic kidney disease. Last evaluated: 2023-10-03. Review status: criteria provided, single submitter. Criteria: Invitae Variant Classification Sherloc (09022015). Collection method: clinical testing. Allele origin: germline.
Comment: This variant results in a copy number gain of the genomic region encompassing exon(s) 34-35 of the PKHD1 gene. While the exact position of this variant cannot be determined from the data, sub-genic copy number gains are generally in tandem (PMID: 25640679). This variant is predicted to be out-of-frame, and may result in an absent or disrupted protein product. Loss-of-function variants in PKHD1 are known to be pathogenic (PMID: 19940839). This variant has not been reported in the literature in individuals affected with PKHD1-related conditions. In summary, the currently available evidence indicates that the variant is pathogenic, but additional data are needed to prove that conclusively. Therefore, this variant has been classified as Likely Pathogenic.

Literature cited by the submitters: PubMed 25640679; PubMed 19940839.